The following is an entry in ClinVar:

NM_001199267.2(DGKZ):c.2090A>C (p.Glu697Ala)

Gene: DGKZ (diacylglycerol kinase zeta; plus strand). Cytogenetic location: 11p11.2.
Variant type: single nucleotide variant.
Coding change: c.2090A>C on transcript NM_001199267.2 (MANE Select); coding-DNA position 2090, A replaced by C.
Protein change: p.Glu697Ala; replaces glutamic acid 697 with alanine.
Molecular consequence: missense variant.
Genome position (GRCh38, 1-based): chr11:46,376,329, A>C. VCF-style: chr11-46376329-A-C. GRCh37 (hg19) VCF-style: chr11-46397879-A-C.
Other names: c.2657A>C, p.Glu886Ala (NM_001105540.2); c.2093A>C, p.Glu698Ala (NM_001199266.2, NM_003646.4); c.2024A>C, p.Glu675Ala (NM_001199268.2); c.2141A>C, p.Glu714Ala (NM_201532.3); c.2105A>C, p.Glu702Ala (NM_201533.3); short protein forms E675A, E697A, E702A, E714A, E886A, E698A.
Identifiers: ClinVar variation 3710129 (VCV003710129.2).
Genomic context (GRCh38, chr11:46,376,329, plus strand): 5'-GTTCCCTTCCCTCCCTGGCCCCCACTCTATCCCAGCCTGGCCTTTGCTTCTCTCAACAGG[A>C]GCCCGATGGTGCTGGAGCCAAGTCCCCGACATGCCAGAAACTGTCCCCCAAGTGGTGCTT-3'
Protein context (NP_001186196.1, residues 687-707): CRAHIERLQQ[Glu697Ala]PDGAGAKSPT

ClinVar aggregate classification (germline): Uncertain significance (1 of 4 stars; one submission).

gnomAD v4.1: 22 of 1,613,802 alleles (0.0014%); highest among the groups gnomAD compares: Non-Finnish European, 0.0019%; no homozygotes.

Submission:

Labcorp Genetics (formerly Invitae), Labcorp
Classification: Uncertain significance. Last evaluated: 2024-05-17. Review status: criteria provided, single submitter. Criteria: Invitae Variant Classification Sherloc (09022015). Collection method: clinical testing. Allele origin: germline.
Comment: This sequence change replaces glutamic acid, which is acidic and polar, with alanine, which is neutral and non-polar, at codon 886 of the DGKZ protein (p.Glu886Ala). This variant is present in population databases (rs149254809, gnomAD 0.004%). This variant has not been reported in the literature in individuals affected with DGKZ-related conditions. An algorithm developed to predict the effect of missense changes on protein structure and function (PolyPhen-2) suggests that this variant is likely to be tolerated. In summary, the available evidence is currently insufficient to determine the role of this variant in disease. Therefore, it has been classified as a Variant of Uncertain Significance.